The following is an entry in ClinVar:

NM_000836.4(GRIN2D):c.25G>A (p.Gly9Ser)

Gene: GRIN2D (glutamate ionotropic receptor NMDA type subunit 2D; plus strand). Cytogenetic location: 19q13.33.
Variant type: single nucleotide variant.
Coding change: c.25G>A on transcript NM_000836.4 (MANE Select); coding-DNA position 25, G replaced by A.
Protein change: p.Gly9Ser; replaces glycine 9 with serine.
Molecular consequence: missense variant.
Genome position (GRCh38, 1-based): chr19:48,398,417, G>A. VCF-style: chr19-48398417-G-A. GRCh37 (hg19) VCF-style: chr19-48901674-G-A.
Other names: short protein forms G9S.
Identifiers: ClinVar variation 1998089 (VCV001998089.4), dbSNP rs2516061557, ClinGen allele CA406688128.

ClinVar aggregate classification (germline): Uncertain significance (1 of 4 stars; one submission).

Submission:

Labcorp Genetics (formerly Invitae), Labcorp
Classification: Uncertain significance. Last evaluated: 2023-10-03. Review status: criteria provided, single submitter. Criteria: Invitae Variant Classification Sherloc (09022015). Collection method: clinical testing. Allele origin: germline.
Comment: This sequence change replaces glycine, which is neutral and non-polar, with serine, which is neutral and polar, at codon 9 of the GRIN2D protein (p.Gly9Ser). The frequency data for this variant in the population databases is considered unreliable, as metrics indicate insufficient coverage at this position in the gnomAD database. This variant has not been reported in the literature in individuals affected with GRIN2D-related conditions. ClinVar contains an entry for this variant (Variation ID: 1998089). Advanced modeling of protein sequence and biophysical properties (such as structural, functional, and spatial information, amino acid conservation, physicochemical variation, residue mobility, and thermodynamic stability) performed at Invitae indicates that this missense variant is not expected to disrupt GRIN2D protein function. In summary, the available evidence is currently insufficient to determine the role of this variant in disease. Therefore, it has been classified as a Variant of Uncertain Significance.